The following is an entry in ClinVar:

NM_032242.4(PLXNA1):c.3521G>A (p.Arg1174Gln)

Gene: PLXNA1 (plexin A1; plus strand). Cytogenetic location: 3q21.3.
Variant type: single nucleotide variant.
Coding change: c.3521G>A on transcript NM_032242.4 (MANE Select); coding-DNA position 3521, G replaced by A.
Protein change: p.Arg1174Gln; replaces arginine 1174 with glutamine.
Molecular consequence: missense variant.
Genome position (GRCh38, 1-based): chr3:127,017,753, G>A. VCF-style: chr3-127017753-G-A. GRCh37 (hg19) VCF-style: chr3-126736596-G-A.
Other names: short protein forms R1174Q.
Identifiers: ClinVar variation 2629454 (VCV002629454.1), dbSNP rs1282669146, ClinGen allele CA354392233.

ClinVar aggregate classification (germline): Uncertain significance (1 of 4 stars; one submission).

Conditions:
PLXNA1-related disorder. Also called: PLXNA1-related condition.

Allele frequency attached by ClinVar (database versions not stated): gnomAD exomes below 0.00001.
gnomAD v4.1: 5 of 1,613,232 alleles (0.00031%); highest among the groups gnomAD compares: Non-Finnish European, 0.00042%; no homozygotes.

Submission:

PreventionGenetics, part of Exact Sciences
Classification: Uncertain significance for PLXNA1-related condition. Last evaluated: 2022-10-17. Review status: criteria provided, single submitter. Criteria: ACMG Guidelines, 2015. Collection method: clinical testing. Allele origin: germline.
Comment: The PLXNA1 c.3521G>A variant is predicted to result in the amino acid substitution p.Arg1174Gln. To our knowledge, this variant has not been reported in the literature. This variant is reported in 0.0033% of alleles in individuals of South Asian descent in gnomAD. At this time, the clinical significance of this variant is uncertain due to the absence of conclusive functional and genetic evidence.